The following is an entry in ClinVar:

NM_004655.4(AXIN2):c.1180C>T (p.Arg394Cys)

Gene: AXIN2 (axin 2; minus strand). Cytogenetic location: 17q24.1.
Variant type: single nucleotide variant.
Coding change: c.1180C>T on transcript NM_004655.4 (MANE Select); coding-DNA position 1180, C replaced by T.
Protein change: p.Arg394Cys; replaces arginine 394 with cysteine.
Molecular consequence: missense variant.
Genome position (GRCh38, 1-based): chr17:65,538,223, G>A on the plus strand (C>T on the coding strand, the complement: AXIN2 is on the minus strand). VCF-style: chr17-65538223-G-A. GRCh37 (hg19) VCF-style: chr17-63534341-G-A.
Other names: c.1180C>T (LRG_296t1); c.1180C>T, p.Arg394Cys (NM_001363813.1); short protein forms R394C.
Identifiers: ClinVar variation 408832 (VCV000408832.21), dbSNP rs753049092, ClinGen allele CA8718841.
Genomic context (GRCh38, chr17:65,538,223, plus strand): 5'-GCCGTGGACGGAAGCAGGAAGAAGGCCTAGGCCGCATTACCTCTCGGATCTGCTGCAGGC[G>A]CTCCTCCAGGCTGTGGCGGCTCTCCAACTCCAGCTTCAGCTTTTCCAGCCTCGAGATCAG-3'
Protein context (NP_004646.3, residues 384-404): ELESRHSLEE[Arg394Cys]LQQIREDEER

ClinVar aggregate classification (germline): Conflicting classifications of pathogenicity. Review status: criteria provided, conflicting classifications (1 of 4 stars). 5 submissions from 5 submitters: Uncertain significance (4); Likely benign (1). Last evaluated 2026-01-26.

Conditions:
Colorectal cancer. Also called: Colorectal cancer, somatic; Malignant Colorectal Neoplasm. Identifiers: MedGen C0346629, MONDO:0005575, OMIM 114500.
Hereditary cancer-predisposing syndrome. Also called: Hereditary Cancer Syndrome; Hereditary neoplastic syndrome; Neoplastic Syndromes, Hereditary; Tumor predisposition. Identifiers: Orphanet 140162, MedGen C0027672, MeSH D009386, MONDO:0015356.
Oligodontia-cancer predisposition syndrome. Also called: TOOTH AGENESIS-COLORECTAL CANCER SYNDROME. Identifiers: Orphanet 300576, MedGen C1837750, MONDO:0012075, OMIM 608615. Disease mechanism: loss of function.

Allele frequency attached by ClinVar (database versions not stated): gnomAD 0.00001; gnomAD exomes 0.00001 and 0.00003; TOPMed 0.00001; ExAC 0.00006.
gnomAD v4.1: 13 of 1,614,094 alleles (0.00081%); highest among the groups gnomAD compares: Admixed American, 0.018%; no homozygotes.

Submissions (5):

Labcorp Genetics (formerly Invitae), Labcorp
Classification: Uncertain significance for Oligodontia-cancer predisposition syndrome. Last evaluated: 2026-01-26. Review status: criteria provided, single submitter. Criteria: Invitae Variant Classification Sherloc (09022015). Collection method: clinical testing. Allele origin: germline.
Comment: This sequence change replaces arginine, which is basic and polar, with cysteine, which is neutral and slightly polar, at codon 394 of the AXIN2 protein (p.Arg394Cys). This variant is present in population databases (rs753049092, gnomAD 0.03%). This variant has not been reported in the literature in individuals affected with AXIN2-related conditions. ClinVar contains an entry for this variant (Variation ID: 408832). Invitae Evidence Modeling of protein sequence and biophysical properties (such as structural, functional, and spatial information, amino acid conservation, physicochemical variation, residue mobility, and thermodynamic stability) indicates that this missense variant is expected to disrupt AXIN2 protein function with a positive predictive value of 80%. In summary, the available evidence is currently insufficient to determine the role of this variant in disease. Therefore, it has been classified as a Variant of Uncertain Significance.

Ambry Genetics
Classification: Likely benign for Hereditary cancer-predisposing syndrome. Last evaluated: 2025-06-04. Review status: criteria provided, single submitter. Criteria: Ambry Variant Classification Scheme 2023. Collection method: clinical testing. Allele origin: germline.

Baylor Genetics
Classification: Uncertain significance for Colorectal cancer. Last evaluated: 2024-03-13. Review status: criteria provided, single submitter. Criteria: ACMG Guidelines, 2015. Collection method: clinical testing. Allele origin: unknown.

GeneDx
Classification: Uncertain significance. Last evaluated: 2023-11-06. Review status: criteria provided, single submitter. Criteria: GeneDx Variant Classification Process June 2021. Collection method: clinical testing. Allele origin: germline. Affected: yes.
Comment: In silico analysis supports that this missense variant has a deleterious effect on protein structure/function; Has not been previously published as pathogenic or benign to our knowledge; This variant is associated with the following publications: (PMID: 15735151)

Quest Diagnostics Nichols Institute San Juan Capistrano
Classification: Uncertain significance. Last evaluated: 2023-08-03. Review status: criteria provided, single submitter. Criteria: Quest Diagnostics criteria. Collection method: clinical testing. Allele origin: unknown.
Comment: To the best of our knowledge, this variant has not been reported in the published literature. The frequency of this variant in the general population, 0.00025 (9/35428 chromosomes in Latino/Admixed American subpopulation (Genome Aggregation Database)), is higher than would generally be expected for pathogenic variants in this gene. Analysis of this variant using bioinformatics tools for the prediction of the effect of amino acid changes on protein structure and function yielded predictions that this variant is benign. Based on the available information, we are unable to determine the clinical significance of this variant.